The following is an entry in ClinVar:

NM_016580.4(PCDH12):c.2979-3C>T

Genes: PCDH12 (protocadherin 12; minus strand), RNF14 (ring finger protein 14; plus strand). Cytogenetic location: 5q31.3.
Variant type: single nucleotide variant.
Coding change: c.2979-3C>T on transcript NM_016580.4 (MANE Select); 3 bases into the intron before coding-DNA position 2979, C replaced by T.
Molecular consequence: intron variant.
Genome position (GRCh38, 1-based): chr5:141,949,586, G>A on the plus strand (C>T on the coding strand, the complement: PCDH12 is on the minus strand). VCF-style: chr5-141949586-G-A. GRCh37 (hg19) VCF-style: chr5-141329151-G-A.
Identifiers: ClinVar variation 1997437 (VCV001997437.4), dbSNP rs2532538220, ClinGen allele CA2580073016.

ClinVar aggregate classification (germline): Uncertain significance (1 of 4 stars; one submission).

Submission:

Labcorp Genetics (formerly Invitae), Labcorp
Classification: Uncertain significance. Last evaluated: 2025-09-08. Review status: criteria provided, single submitter. Criteria: Invitae Variant Classification Sherloc (09022015). Collection method: clinical testing. Allele origin: germline.
Comment: This sequence change falls in intron 2 of the PCDH12 gene. It does not directly change the encoded amino acid sequence of the PCDH12 protein. It affects a nucleotide within the consensus splice site. This variant is not present in population databases (gnomAD no frequency). This variant has not been reported in the literature in individuals affected with PCDH12-related conditions. ClinVar contains an entry for this variant (Variation ID: 1997437). Variants that disrupt the consensus splice site are a relatively common cause of aberrant splicing (PMID: 17576681, 9536098). Algorithms developed to predict the effect of sequence changes on RNA splicing suggest that this variant is not likely to affect RNA splicing. In summary, the available evidence is currently insufficient to determine the role of this variant in disease. Therefore, it has been classified as a Variant of Uncertain Significance.

Literature cited by the submitters: PubMed 17576681; PubMed 9536098.